The following is an entry in ClinVar:

NM_006949.4(STXBP2):c.1125C>T (p.Ser375=)

Gene: STXBP2 (syntaxin binding protein 2; plus strand). Cytogenetic location: 19p13.2.
Variant type: single nucleotide variant.
Coding change: c.1125C>T on transcript NM_006949.4 (MANE Select); coding-DNA position 1125, C replaced by T.
Protein change: p.Ser375=; no amino-acid change (serine 375 retained).
Molecular consequence: synonymous variant. On other transcripts: non-coding transcript variant (1).
Genome position (GRCh38, 1-based): chr19:7,644,631, C>T. VCF-style: chr19-7644631-C-T. GRCh37 (hg19) VCF-style: chr19-7709517-C-T.
Other names: c.1125C>T (NM_006949.3); c.1116C>T, p.Ser372= (NM_001127396.3); c.1158C>T, p.Ser386= (NM_001272034.2).
Identifiers: ClinVar variation 1138676 (VCV001138676.10), dbSNP rs147282248, ClinGen allele CA9144000.

ClinVar aggregate classification (germline): Likely benign. Review status: criteria provided, multiple submitters, no conflicts (2 of 4 stars). 2 submissions from 2 submitters: Likely benign (2). Last evaluated 2026-09-14.

Conditions:
STXBP2-related disorder. Also called: STXBP2-related condition.
Familial hemophagocytic lymphohistiocytosis 5. Also called: STXBP2-Related Familial Hemophagocytic Lymphohistiocytosis (STXBP2-fHLH). Identifiers: Orphanet 540, MedGen C2751293, MONDO:0013135, OMIM 613101.

Allele frequency attached by ClinVar (database versions not stated): gnomAD 0.00001 and 0.00002; TOPMed 0.00002; ExAC 0.00003; gnomAD exomes 0.00004 and 0.00005; ESP Exome Variant Server 0.00008.
gnomAD v4.1: 78 of 1,612,872 alleles (0.0048%); highest among the groups gnomAD compares: South Asian, 0.025%; no homozygotes.

Submissions (2):

PreventionGenetics, part of Exact Sciences
Classification: Likely benign for STXBP2-related condition. Last evaluated: 2026-09-14. Review status: criteria provided, single submitter. Criteria: ACMG Guidelines, 2015. Collection method: clinical testing. Allele origin: germline.
Comment: This variant is classified as likely benign based on ACMG/AMP sequence variant interpretation guidelines (Richards et al. 2015 PMID: 25741868, with internal and published modifications).

Labcorp Genetics (formerly Invitae), Labcorp
Classification: Likely benign for Familial hemophagocytic lymphohistiocytosis 5. Last evaluated: 2025-10-30. Review status: criteria provided, single submitter. Criteria: Invitae Variant Classification Sherloc (09022015). Collection method: clinical testing. Allele origin: germline.